The following is an entry in ClinVar:

NM_007214.5(SEC63):c.1936-27_1936-26dup

Gene: SEC63 (SEC63 protein translocation regulator; minus strand). Cytogenetic location: 6q21.
Variant type: Duplication.
Coding change: c.1936-27_1936-26dup on transcript NM_007214.5 (MANE Select); 27 bases into the intron before coding-DNA position 1936 through 26 bases into the intron before coding-DNA position 1936, 2 bases duplicated (TT; older notation c.1936-27_1936-26dupTT).
Molecular consequence: intron variant.
Genome position (GRCh38, 1-based): chr6:107,876,671-107,876,672, AA duplicated on the plus strand (TT on the coding strand, the reverse complement: SEC63 is on the minus strand); duplicating any 2 consecutive bases within chr6:107,876,671-107,876,689 gives the same sequence; the c. name uses the placement nearest the transcript's 3' end. VCF-style (leftmost placement, unchanged base first): chr6-107876670-C-CAA. GRCh37 (hg19) VCF-style: chr6-108197874-C-CAA.
Other names: p.?; c.1936-10_1936-9dup (NM_007214.5).
Identifiers: ClinVar variation 354898 (VCV000354898.12), dbSNP rs749125299, ClinGen allele CA10622672.

ClinVar aggregate classification (germline): Conflicting classifications of pathogenicity. Review status: criteria provided, conflicting classifications (1 of 4 stars). 5 submissions from 5 submitters: Uncertain significance (2); Benign (1); Likely benign (2). Last evaluated 2026-01-31.

Conditions:
Polycystic liver disease 2 (PCLD2). Also called: Polycystic liver disease 2 with or without kidney cysts. Identifiers: Orphanet 2924, MedGen C4310769, MONDO:0014860, OMIM 617004.

Submissions (5):

Labcorp Genetics (formerly Invitae), Labcorp
Classification: Benign. Last evaluated: 2026-01-31. Review status: criteria provided, single submitter. Criteria: Invitae Variant Classification Sherloc (09022015). Collection method: clinical testing. Allele origin: germline.

Genomic Medicine Center of Excellence, King Faisal Specialist Hospital and Research Centre
Classification: Likely benign for Polycystic liver disease 2. Last evaluated: 2025-09-10. Review status: criteria provided, single submitter. Criteria: ACMG Guidelines, 2015. Collection method: clinical testing. Allele origin: germline.

Mayo Clinic Laboratories, Mayo Clinic
Classification: Likely benign. Last evaluated: 2025-06-19. Review status: criteria provided, single submitter. Criteria: ACMG Guidelines, 2015. Collection method: clinical testing. Allele origin: germline. Observed: 63 variant alleles.
Comment: BP4, BP7

Department of Pathology and Laboratory Medicine, Sinai Health System
Classification: Uncertain significance for Polycystic liver disease 2. Last evaluated: 2023-04-01. Review status: criteria provided, single submitter. Criteria: ACMG Guidelines, 2015. Collection method: research. Allele origin: germline.

Breakthrough Genomics
Classification: Uncertain significance. Review status: criteria provided, single submitter. Criteria: ACMG Guidelines, 2015. Collection method: not provided. Allele origin: germline. Inheritance: Autosomal dominant inheritance. Affected: yes.